The following is an entry in ClinVar:

ClinVar aggregate classification (germline): Conflicting classifications of pathogenicity. Review status: criteria provided, conflicting classifications (1 of 4 stars). 2 submissions from 2 submitters: Uncertain significance (1); Likely benign (1). Last evaluated 2025-09-29.

Conditions:
Distal hereditary motor neuropathy type 2. Identifiers: Orphanet 139525, MedGen C3711384, MeSH C580044, MONDO:0015352.

Allele frequency attached by ClinVar (database versions not stated): gnomAD 0.00001; TOPMed 0.00003.
gnomAD v4.1: 21 of 1,611,422 alleles (0.0013%); highest among the groups gnomAD compares: Admixed American, 0.035%; no homozygotes.

Submissions (2):

Labcorp Genetics (formerly Invitae), Labcorp
Classification: Uncertain significance for Distal hereditary motor neuropathy type 2. Last evaluated: 2025-09-29. Review status: criteria provided, single submitter. Criteria: Invitae Variant Classification Sherloc (09022015). Collection method: clinical testing. Allele origin: germline.
Comment: This sequence change replaces proline, which is neutral and non-polar, with histidine, which is basic and polar, at codon 1004 of the FBXO38 protein (p.Pro1004His). This variant is present in population databases (rs757930681, gnomAD 0.05%), and has an allele count higher than expected for a pathogenic variant. This variant has not been reported in the literature in individuals affected with FBXO38-related conditions. ClinVar contains an entry for this variant (Variation ID: 939091). An algorithm developed to predict the effect of missense changes on protein structure and function (PolyPhen-2) suggests that this variant is likely to be disruptive. In summary, the available evidence is currently insufficient to determine the role of this variant in disease. Therefore, it has been classified as a Variant of Uncertain Significance.

Women's Health and Genetics/Laboratory Corporation of America, LabCorp
Classification: Likely benign. Last evaluated: 2025-09-04. Review status: criteria provided, single submitter. Criteria: LabCorp Variant Classification Summary - May 2015. Collection method: clinical testing. Allele origin: germline.
Comment: Variant summary: FBXO38 c.3011C>A (p.Pro1004His) results in a non-conservative amino acid change in the encoded protein sequence. Algorithms developed to predict the effect of missense changes on protein structure and function are either unavailable or do not agree on the potential impact of this missense change. The variant allele was found at a frequency of 6.4e-05 in 250090 control chromosomes. The observed variant frequency exceeds the estimated maximal expected allele frequency for disease-causing variants in FBXO38. To our knowledge, no occurrence of c.3011C>A in individuals affected with FBXO38-related conditions and no experimental evidence demonstrating its impact on protein function have been reported. ClinVar contains an entry for this variant (Variation ID: 939091). Based on the evidence outlined above, the variant was classified as likely benign.

NM_205836.3(FBXO38):c.3236C>A (p.Pro1079His)

Gene: FBXO38 (F-box protein 38; plus strand). Cytogenetic location: 5q32.
Variant type: single nucleotide variant.
Coding change: c.3236C>A on transcript NM_205836.3 (MANE Select); coding-DNA position 3236, C replaced by A.
Protein change: p.Pro1079His; replaces proline 1079 with histidine.
Molecular consequence: missense variant.
Genome position (GRCh38, 1-based): chr5:148,440,489, C>A. VCF-style: chr5-148440489-C-A. GRCh37 (hg19) VCF-style: chr5-147820052-C-A.
Other names: c.2501C>A, p.Pro834His (NM_001271723.2); c.3011C>A, p.Pro1004His (NM_030793.5); short protein forms P1004H, P1079H, P834H.
Identifiers: ClinVar variation 939091 (VCV000939091.12), dbSNP rs757930681, ClinGen allele CA3497690.